The following is an entry in ClinVar:

ClinVar aggregate classification (germline): Uncertain significance (1 of 4 stars; one submission).

Conditions:
Inborn genetic diseases. Identifiers: MedGen C0950123, MeSH D030342.

Submission:

Ambry Genetics
Classification: Uncertain significance for Inborn genetic diseases. Last evaluated: 2025-12-29. Review status: criteria provided, single submitter. Criteria: Ambry Variant Classification Scheme 2023. Collection method: clinical testing. Allele origin: germline.
Comment: The p.L982S variant (also known as c.2945T>C), located in coding exon 13 of the MECOM gene, results from a T to C substitution at nucleotide position 2945. The leucine at codon 982 is replaced by serine, an amino acid with dissimilar properties. This amino acid position is conserved. In addition, the in silico prediction for this alteration is inconclusive. Based on the available evidence, the clinical significance of this variant remains unclear.

NM_004991.4(MECOM):c.2945T>C (p.Leu982Ser)

Gene: MECOM (MDS1 and EVI1 complex locus; minus strand). Cytogenetic location: 3q26.2.
Variant type: single nucleotide variant.
Coding change: c.2945T>C on transcript NM_004991.4 (MANE Select); coding-DNA position 2945, T replaced by C.
Protein change: p.Leu982Ser; replaces leucine 982 with serine.
Molecular consequence: missense variant.
Genome position (GRCh38, 1-based): chr3:169,095,150, A>G on the plus strand (T>C on the coding strand, the complement: MECOM is on the minus strand). VCF-style: chr3-169095150-A-G. GRCh37 (hg19) VCF-style: chr3-168812938-A-G.
Other names: c.2576T>C, p.Leu859Ser (NM_001105077.4); c.2381T>C, p.Leu794Ser (NM_001105078.4, NM_001205194.2, NM_001366469.2 and 1 more transcripts); c.2357T>C, p.Leu786Ser (NM_001163999.2, NM_001366470.2); c.2354T>C, p.Leu785Ser (NM_001164000.2, NM_001366471.2, NM_001366472.2); c.2918T>C, p.Leu973Ser (NM_001366466.2); c.2384T>C, p.Leu795Ser (NM_001366467.2, NM_001366468.2); c.1946T>C, p.Leu649Ser (NM_001366473.2); c.1382T>C, p.Leu461Ser (NM_001366474.2); short protein forms L785S, L973S, L982S, L649S, L859S, L786S, L794S, L795S.
Identifiers: ClinVar variation 4842763 (VCV004842763.1).